The following is an entry in ClinVar:

ClinVar aggregate classification (germline): Likely benign. Review status: criteria provided, multiple submitters, no conflicts (2 of 4 stars). 2 submissions from 2 submitters: Likely benign (2). Last evaluated 2023-11-01.

Allele frequency attached by ClinVar (database versions not stated): 1000 Genomes Project 0.00020; gnomAD exomes 0.00023 and 0.00036; gnomAD 0.00027 and 0.00029; 1000 Genomes Project 30x 0.00031; ESP Exome Variant Server 0.00031; TOPMed 0.00031; ExAC 0.00043.
gnomAD v4.1: 402 of 1,613,842 alleles (0.025%); highest among the groups gnomAD compares: Middle Eastern, 0.39%; no homozygotes.

Submissions (4):

CeGaT Center for Human Genetics Tuebingen
Classification: Likely benign. Last evaluated: 2023-11-01. Review status: criteria provided, single submitter. Criteria: CeGaT Center For Human Genetics Tuebingen Variant Classification Criteria Version 2. Collection method: clinical testing. Allele origin: germline. Affected: yes. Observed: 6 variant alleles.
Comment: EPB41L1: BP4, BP7

Labcorp Genetics (formerly Invitae), Labcorp
Classification: Likely benign. Last evaluated: 2019-12-31. Review status: criteria provided, single submitter. Criteria: Invitae Variant Classification Sherloc (09022015). Collection method: clinical testing. Allele origin: germline.

Dr. Peter K. Rogan Lab, Western University
No classification provided (evidence only). Condition: Malignant tumor of urinary bladder. Review status: no classification provided. Collection method: in vitro. Allele origin: not applicable. Functional consequence: retained intron. Not counted in ClinVar's aggregate classification.

Dr. Peter K. Rogan Lab, Western University
No classification provided (evidence only). Condition: Ovarian serous cystadenocarcinoma. Review status: no classification provided. Collection method: in vitro. Allele origin: not applicable. Functional consequence: retained intron. Not counted in ClinVar's aggregate classification.

NM_012156.2(EPB41L1):c.903C>T (p.Gly301=)

Gene: EPB41L1 (erythrocyte membrane protein band 4.1 like 1; plus strand). Cytogenetic location: 20q11.23.
Variant type: single nucleotide variant.
Coding change: c.903C>T on transcript NM_012156.2 (MANE Select); coding-DNA position 903, C replaced by T.
Protein change: p.Gly301=; no amino-acid change (glycine 301 retained).
Molecular consequence: synonymous variant.
Genome position (GRCh38, 1-based): chr20:36,188,376, C>T. VCF-style: chr20-36188376-C-T. GRCh37 (hg19) VCF-style: chr20-34776298-C-T.
Other names: NC_000020.10:g.34776298C>T; c.903C>T, p.Gly301= (NM_001258329.1); c.810C>T, p.Gly270= (NM_001258330.1); c.717C>T, p.Gly239= (NM_001258331.2, NM_177996.2).
Identifiers: ClinVar variation 735599 (VCV000735599.29), dbSNP rs146637110, ClinGen allele CA9839741.
Genomic context (GRCh38, chr20:36,188,376, plus strand): 5'-GCCTCCCATTCCATGGTCTCTTCTCATGCAGGACTCTGAGGGCATCGACATCATGTTAGG[C>T]GTTTGTGCCAATGGCCTGCTCATCTACCGGGACCGGCTGAGAATCAACCGCTTTGCCTGG-3'
Protein context (NP_036288.2, residues 291-311): KDSEGIDIML[Gly301=]VCANGLLIYR